The following is an entry in ClinVar:

ClinVar aggregate classification (germline): Conflicting classifications of pathogenicity. Review status: criteria provided, conflicting classifications (1 of 4 stars). 2 submissions from 2 submitters: Likely pathogenic (1); Uncertain significance (1). Last evaluated 2017-02-01.

Conditions:
Frontotemporal dementia (FTD1). Also called: Frontotemporal lobe dementia (FLDEM); Frontotemporal Dementia with Parkinsonism-17 (FTDP-17); FRONTOTEMPORAL DEMENTIA WITH PARKINSONISM; FRONTOTEMPORAL LOBE DEMENTIA; MULTIPLE SYSTEM TAUOPATHY WITH PRESENILE DEMENTIA; WILHELMSEN-LYNCH DISEASE. Identifiers: Orphanet 282, MedGen C0338451, MONDO:0017276, OMIM 600274, HP:0002145.

Submissions (2):

Human Genetics Group at Institute of Prion Diseases London, University College London
Classification: Likely pathogenic for Frontotemporal dementia. Last evaluated: 2017-02-01. Review status: criteria provided, single submitter. Criteria: Koriath et al. 2018. Collection method: research. Allele origin: inherited. Affected: yes. Observed: 2 variant alleles.
Comment: not on molgen, not on exac, not on exome variant server. In silico predictions conflicting but mostly damaging. Aminoacid change form uncharged polarised to positively charged, only slightly bigger.

Confirmed by Sanger sequencing

Juno Genomics, Hangzhou Juno Genomics, Inc
Classification: Uncertain significance for Frontotemporal dementia. Review status: criteria provided, single submitter. Criteria: ACMG Guidelines, 2015. Collection method: clinical testing. Allele origin: germline. Affected: yes.
Comment: Absent from controls (or at extremely low frequency if recessive) in Genome Aggregation Database, Exome Sequencing Project, 1000 Genomes Project, or Exome Aggregation Consortium.;Multiple lines of computational evidence support a deleterious effect on the gene or gene product (conservation, evolutionary, splicing impact, etc).;The prevalence of the variant in affected individuals is significantly increased compared to the prevalence in controls.;Patient's phenotype or family history is highly specific for a disease with a single genetic etiology.

NM_001377265.1(MAPT):c.2228A>G (p.Gln743Arg)

Gene: MAPT (microtubule associated protein tau). Cytogenetic location: 17q21.31.
Variant type: single nucleotide variant.
Coding change: c.2228A>G on transcript NM_001377265.1 (MANE Select); coding-DNA position 2228, A replaced by G.
Protein change: p.Gln743Arg; replaces glutamine 743 with arginine.
Molecular consequence: missense variant. On other transcripts: non-coding transcript variant (1), intron variant (1).
Genome position (GRCh38, 1-based): chr17:46,018,672, A>G. VCF-style: chr17-46018672-A-G. GRCh37 (hg19) VCF-style: chr17-44096038-A-G.
Other names: c.2057A>G, p.Gln686Arg (NM_001123066.4); c.965A>G, p.Gln322Arg (NM_001123067.4); c.872A>G, p.Gln291Arg (NM_001203251.2); c.959A>G, p.Gln320Arg (NM_001203252.2); c.1937A>G, p.Gln646Arg (NM_001377266.1); c.785A>G, p.Gln262Arg (NM_001377268.1, NM_016841.5); c.1052A>G, p.Gln351Arg (NM_005910.6); c.878A>G, p.Gln293Arg (NM_016834.5); and 2 more; short protein forms Q351R, Q668R, Q322R, Q686R, Q262R, Q293R, Q291R, Q320R.
Identifiers: ClinVar variation 599619 (VCV000599619.3), dbSNP rs1568339821, ClinGen allele CA399983740.